The following is an entry in ClinVar:

ClinVar aggregate classification (germline): Uncertain significance. Review status: criteria provided, multiple submitters, no conflicts (2 of 4 stars). 2 submissions from 2 submitters: Uncertain significance (2). Last evaluated 2024-02-25.

Conditions:
Inborn genetic diseases. Identifiers: MedGen C0950123, MeSH D030342.

Allele frequency attached by ClinVar (database versions not stated): gnomAD exomes below 0.00001.
gnomAD v4.1: 1 of 1,614,148 alleles (0.000062%); highest among the groups gnomAD compares: Admixed American, 0.0017%; no homozygotes.

Submissions (2):

Labcorp Genetics (formerly Invitae), Labcorp
Classification: Uncertain significance. Last evaluated: 2024-02-25. Review status: criteria provided, single submitter. Criteria: Invitae Variant Classification Sherloc (09022015). Collection method: clinical testing. Allele origin: germline.
Comment: This sequence change replaces valine, which is neutral and non-polar, with isoleucine, which is neutral and non-polar, at codon 879 of the FAT4 protein (p.Val879Ile). This variant is not present in population databases (gnomAD no frequency). This variant has not been reported in the literature in individuals affected with FAT4-related conditions. ClinVar contains an entry for this variant (Variation ID: 1907448). Advanced modeling of protein sequence and biophysical properties (such as structural, functional, and spatial information, amino acid conservation, physicochemical variation, residue mobility, and thermodynamic stability) performed at Invitae indicates that this missense variant is not expected to disrupt FAT4 protein function with a negative predictive value of 80%. In summary, the available evidence is currently insufficient to determine the role of this variant in disease. Therefore, it has been classified as a Variant of Uncertain Significance.

Ambry Genetics
Classification: Uncertain significance for Inborn genetic diseases. Last evaluated: 2023-12-16. Review status: criteria provided, single submitter. Criteria: Ambry Variant Classification Scheme 2023. Collection method: clinical testing. Allele origin: germline.

NM_001291303.3(FAT4):c.2635G>A (p.Val879Ile)

Gene: FAT4 (FAT atypical cadherin 4; plus strand). Cytogenetic location: 4q28.1.
Variant type: single nucleotide variant.
Coding change: c.2635G>A on transcript NM_001291303.3 (MANE Select); coding-DNA position 2635, G replaced by A.
Protein change: p.Val879Ile; replaces valine 879 with isoleucine.
Molecular consequence: missense variant.
Genome position (GRCh38, 1-based): chr4:125,319,046, G>A. VCF-style: chr4-125319046-G-A. GRCh37 (hg19) VCF-style: chr4-126240201-G-A.
Other names: c.2635G>A, p.Val879Ile (NM_001291285.3, NM_024582.6); c.2635G>A (NM_024582.4); short protein forms V879I.
Identifiers: ClinVar variation 1907448 (VCV001907448.5), dbSNP rs886241458, ClinGen allele CA104865349.